The following is an entry in ClinVar:

NM_017570.5(OPLAH):c.493C>T (p.Gln165Ter)

Gene: OPLAH (5-oxoprolinase, ATP-hydrolysing; minus strand). Cytogenetic location: 8q24.3.
Variant type: single nucleotide variant.
Coding change: c.493C>T on transcript NM_017570.5 (MANE Select); coding-DNA position 493, C replaced by T.
Protein change: p.Gln165Ter; replaces glutamine 165 with a stop codon.
Molecular consequence: nonsense.
Genome position (GRCh38, 1-based): chr8:144,058,867, G>A on the plus strand (C>T on the coding strand, the complement: OPLAH is on the minus strand). VCF-style: chr8-144058867-G-A. GRCh37 (hg19) VCF-style: chr8-145113770-G-A.
Other names: short protein forms Q165*.
Identifiers: ClinVar variation 856398 (VCV000856398.6), dbSNP rs1835598414, ClinGen allele CA372572773.
Genomic context (GRCh38, chr8:144,058,867, plus strand): 5'-GGATGCCTCGAGATAGCAGCCCCTCCAGCTTCCCACGCAGGGCCCCCAGGTCCACAGGCT[G>A]CTGCACTTCCAGCAGGTCCCCCGTGCGGCCTTCCAGAAAAGCCCAGGAGGCCCCGTTAAA-3'

ClinVar aggregate classification (germline): Pathogenic (1 of 4 stars; one submission).

Conditions:
5-Oxoprolinase deficiency (OPLAHD). Also called: 5-OXOPROLINURIA DUE TO 5-OXOPROLINASE DEFICIENCY. Identifiers: Orphanet 33572, MedGen C0268525, MONDO:0009825, OMIM 260005, HP:0040142.

Submission:

Labcorp Genetics (formerly Invitae), Labcorp
Classification: Pathogenic for 5-Oxoprolinase deficiency. Last evaluated: 2019-12-11. Review status: criteria provided, single submitter. Criteria: Invitae Variant Classification Sherloc (09022015). Collection method: clinical testing. Allele origin: germline.
Comment: This sequence change creates a premature translational stop signal (p.Gln165*) in the OPLAH gene. It is expected to result in an absent or disrupted protein product. For these reasons, this variant has been classified as Pathogenic. Loss-of-function variants in OPLAH are known to be pathogenic (PMID: 21651516, 27477828). This variant has not been reported in the literature in individuals with OPLAH-related conditions. This variant is not present in population databases (ExAC no frequency).

Literature cited by the submitters: PubMed 21651516; PubMed 27477828.